The following is an entry in ClinVar:

ClinVar aggregate classification (germline): Conflicting classifications of pathogenicity. Review status: criteria provided, conflicting classifications (1 of 4 stars). 5 submissions from 5 submitters: Uncertain significance (3); Likely benign (2). Last evaluated 2025-12-09.

Conditions:
Hereditary cancer-predisposing syndrome. Also called: Neoplastic Syndromes, Hereditary; Tumor predisposition; Hereditary Cancer Syndrome; Hereditary neoplastic syndrome. Identifiers: Orphanet 140162, MedGen C0027672, MeSH D009386, MONDO:0015356.
Hereditary breast ovarian cancer syndrome. Also called: Hereditary breast and ovarian cancer; Hereditary breast and/or ovarian cancer syndrome; BRCA1- and BRCA2-Associated Hereditary Breast and Ovarian Cancer; Hereditary breast and ovarian cancer syndrome (HBOC); Hereditary breast and ovarian cancer syndrome; Breast and ovarian cancer. Identifiers: Orphanet 145, MedGen C0677776, MeSH D061325, MONDO:0003582. Disease mechanism: loss of function.

gnomAD v4.1: 14 of 1,599,332 alleles (0.00088%); highest among the groups gnomAD compares: African/African-American, 0.0027%; no homozygotes.

Submissions (5):

Color Diagnostics, LLC DBA Color Health
Classification: Likely benign for Hereditary cancer-predisposing syndrome. Last evaluated: 2025-12-09. Review status: criteria provided, single submitter. Criteria: ACMG Guidelines, 2015. Collection method: clinical testing. Allele origin: germline.

Labcorp Genetics (formerly Invitae), Labcorp
Classification: Uncertain significance for Hereditary breast ovarian cancer syndrome. Last evaluated: 2025-04-07. Review status: criteria provided, single submitter. Criteria: Invitae Variant Classification Sherloc (09022015). Collection method: clinical testing. Allele origin: germline.
Comment: This sequence change replaces alanine, which is neutral and non-polar, with serine, which is neutral and polar, at codon 895 of the BRCA2 protein (p.Ala895Ser). This variant is not present in population databases (gnomAD no frequency). This variant has not been reported in the literature in individuals affected with BRCA2-related conditions. ClinVar contains an entry for this variant (Variation ID: 186909). Invitae Evidence Modeling of protein sequence and biophysical properties (such as structural, functional, and spatial information, amino acid conservation, physicochemical variation, residue mobility, and thermodynamic stability) indicates that this missense variant is not expected to disrupt BRCA2 protein function with a negative predictive value of 95%. In summary, the available evidence is currently insufficient to determine the role of this variant in disease. Therefore, it has been classified as a Variant of Uncertain Significance.

Ambry Genetics
Classification: Uncertain significance for Hereditary cancer-predisposing syndrome. Last evaluated: 2023-12-24. Review status: criteria provided, single submitter. Criteria: Ambry Variant Classification Scheme 2023. Collection method: clinical testing. Allele origin: germline.
Comment: The p.A895S variant (also known as c.2683G>T), located in coding exon 10 of the BRCA2 gene, results from a G to T substitution at nucleotide position 2683. The alanine at codon 895 is replaced by serine, an amino acid with similar properties. This amino acid position is poorly conserved in available vertebrate species. In addition, this alteration is predicted to be tolerated by in silico analysis. Since supporting evidence is limited at this time, the clinical significance of this alteration remains unclear.

University of Washington Department of Laboratory Medicine, University of Washington
Classification: Likely benign for Hereditary cancer-predisposing syndrome. Last evaluated: 2023-03-23. Review status: criteria provided, single submitter. Criteria: Dines et al. (Genet Med. 2020). Collection method: curation. Allele origin: germline.
Comment: Missense variant in a coldspot region where missense variants are very unlikely to be pathogenic (PMID:31911673).

BRCA2 exon 11 coldspot. Reclassification based on statistical prior probability.

GeneDx
Classification: Uncertain significance. Last evaluated: 2021-05-07. Review status: criteria provided, single submitter. Criteria: GeneDx Variant Classification Process June 2021. Collection method: clinical testing. Allele origin: germline. Affected: yes.
Comment: Not observed in large population cohorts (Lek 2016); In silico analysis supports that this missense variant does not alter protein structure/function; Has not been previously published as pathogenic or benign to our knowledge; Also known as 2911G>T

NM_000059.4(BRCA2):c.2683G>T (p.Ala895Ser)

Gene: BRCA2 (BRCA2 DNA repair associated; plus strand). Cytogenetic location: 13q13.1.
Variant type: single nucleotide variant.
Coding change: c.2683G>T on transcript NM_000059.4 (MANE Select); coding-DNA position 2683, G replaced by T.
Protein change: p.Ala895Ser; replaces alanine 895 with serine.
Molecular consequence: missense variant.
Genome position (GRCh38, 1-based): chr13:32,337,038, G>T. VCF-style: chr13-32337038-G-T. GRCh37 (hg19) VCF-style: chr13-32911175-G-T.
Other names: short protein forms A895S.
Identifiers: ClinVar variation 186909 (VCV000186909.19), dbSNP rs786203045, ClinGen allele CA016058.